The following is an entry in ClinVar:

NM_000260.4(MYO7A):c.1514_1515delinsCA (p.Asn505Thr)

Gene: MYO7A (myosin VIIA; plus strand). Cytogenetic location: 11q13.5.
Variant type: Indel.
Coding change: c.1514_1515delinsCA on transcript NM_000260.4 (MANE Select); coding-DNA positions 1514 to 1515, AC replaced by CA.
Protein change: p.Asn505Thr; replaces asparagine 505 with threonine.
Molecular consequence: missense variant.
Genome position (GRCh38, 1-based): chr11:77,162,290-77,162,291, AC replaced by CA. VCF-style: chr11-77162290-AC-CA. GRCh37 (hg19) VCF-style: chr11-76873336-AC-CA.
Other names: c.1514_1515delinsCA, p.Asn505Thr (NM_001127180.2); c.1481_1482delinsCA, p.Asn494Thr (NM_001369365.1); short protein forms N505T, N494T.
Identifiers: ClinVar variation 5004989 (VCV005004989.2).
Genomic context (GRCh38, chr11:77,162,290, plus strand): 5'-TGCACATCGAGTTCACTGACAACCAGGATGCCCTGGACATGATTGCCAACAAGCCCATGA[AC>CA]ATCATCTCCCTCATCGATGAGGAGAGCAAGTTCCCCAAGGTGGGCCGGTCCTGCTGCCGC-3'
Protein context (NP_000251.3, residues 495-515): ALDMIANKPM[Asn505Thr]IISLIDEESK

ClinVar aggregate classification (germline): Uncertain significance (1 of 4 stars; one submission).

Conditions:
Autosomal recessive nonsyndromic hearing loss 2. Also called: DEAFNESS, AUTOSOMAL RECESSIVE 2; NEUROSENSORY NONSYNDROMIC RECESSIVE DEAFNESS 2. Identifiers: Orphanet 90636, MedGen C1838701, MONDO:0010807, OMIM 600060.
Autosomal dominant nonsyndromic hearing loss 11. Identifiers: Orphanet 90635, MedGen C1832475, MONDO:0011032, OMIM 601317.
Usher syndrome type 1 (USH1). Also called: RETINITIS PIGMENTOSA AND CONGENITAL DEAFNESS. Identifiers: Orphanet 231169, Orphanet 886, MedGen C1568247, MONDO:0010168, OMIM 276900.

Submission:

Juno Genomics, Hangzhou Juno Genomics, Inc
Classification: Uncertain significance for Usher syndrome type 1; Autosomal dominant nonsyndromic hearing loss 11; Autosomal recessive nonsyndromic hearing loss 2. Review status: criteria provided, single submitter. Criteria: ACMG Guidelines, 2015. Collection method: clinical testing. Allele origin: germline.
Comment: Absent from controls (or at extremely low frequency if recessive) in Genome Aggregation Database.;Multiple lines of computational evidence support a deleterious effect on the gene or gene product.